The following is an entry in ClinVar:

NM_001199107.2(TBC1D24):c.68G>A (p.Gly23Glu)

Gene: TBC1D24 (TBC1 domain family member 24; plus strand). Cytogenetic location: 16p13.3.
Variant type: single nucleotide variant.
Coding change: c.68G>A on transcript NM_001199107.2 (MANE Select); coding-DNA position 68, G replaced by A.
Protein change: p.Gly23Glu; replaces glycine 23 with glutamic acid.
Molecular consequence: missense variant.
Genome position (GRCh38, 1-based): chr16:2,496,216, G>A. VCF-style: chr16-2496216-G-A. GRCh37 (hg19) VCF-style: chr16-2546217-G-A.
Other names: c.68G>A, p.Gly23Glu (NM_020705.3); short protein forms G23E.
Identifiers: ClinVar variation 581471 (VCV000581471.9), dbSNP rs1567410958, ClinGen allele CA394374376.
Genomic context (GRCh38, chr16:2,496,216, plus strand): 5'-CTCCAGGATACAACTGCTTCGTGGACAAAGACAAGATGGACGCTGCCATCCAGGACCTGG[G>A]GCCCAAGGAGCTGAGCTGCACTGAACTGCAGGAACTGAAGCAGCTGGCGCGCCAGGGCTA-3'
Protein context (NP_001186036.1, residues 13-33): DKMDAAIQDL[Gly23Glu]PKELSCTELQ

ClinVar aggregate classification (germline): Uncertain significance (1 of 4 stars; one submission).

Conditions:
Autosomal dominant nonsyndromic hearing loss 65. Also called: Deafness, autosomal dominant 65; TBC1D24-Related Autosomal Dominant Nonsyndromic Hearing Loss (DFNA). Identifiers: Orphanet 90635, MedGen C3892048, MONDO:0014470, OMIM 616044.
Developmental and epileptic encephalopathy, 1 (DEE1). Also called: Epileptic encephalopathy, early infantile, 1; X-linked infantile spasms; West's syndrome; Tonic spasms with clustering, arrest of psychomotor development and hypsarrhythmia on EEG; X-Linked Infantile Spasm Syndrome; OHTAHARA SYNDROME, X-LINKED. Identifiers: MedGen C3463992, MONDO:0010632, OMIM 308350. Disease mechanism: loss of function.

Submission:

Labcorp Genetics (formerly Invitae), Labcorp
Classification: Uncertain significance for Developmental and epileptic encephalopathy, 1; Autosomal dominant nonsyndromic hearing loss 65. Last evaluated: 2023-08-04. Review status: criteria provided, single submitter. Criteria: Invitae Variant Classification Sherloc (09022015). Collection method: clinical testing. Allele origin: germline.
Comment: This sequence change replaces glycine, which is neutral and non-polar, with glutamic acid, which is acidic and polar, at codon 23 of the TBC1D24 protein (p.Gly23Glu). This variant is not present in population databases (gnomAD no frequency). This variant has not been reported in the literature in individuals affected with TBC1D24-related conditions. ClinVar contains an entry for this variant (Variation ID: 581471). Advanced modeling of protein sequence and biophysical properties (such as structural, functional, and spatial information, amino acid conservation, physicochemical variation, residue mobility, and thermodynamic stability) performed at Invitae indicates that this missense variant is not expected to disrupt TBC1D24 protein function. In summary, the available evidence is currently insufficient to determine the role of this variant in disease. Therefore, it has been classified as a Variant of Uncertain Significance.